The following is an entry in ClinVar:

ClinVar aggregate classification (germline): Uncertain significance (1 of 4 stars; one submission).

Conditions:
Hereditary cancer-predisposing syndrome. Also called: Neoplastic Syndromes, Hereditary; Tumor predisposition; Hereditary neoplastic syndrome; Hereditary Cancer Syndrome. Identifiers: Orphanet 140162, MedGen C0027672, MeSH D009386, MONDO:0015356.

Submission:

Ambry Genetics
Classification: Uncertain significance for Hereditary cancer-predisposing syndrome. Last evaluated: 2026-07-02. Review status: criteria provided, single submitter. Criteria: Ambry Variant Classification Scheme 2023. Collection method: clinical testing. Allele origin: germline.
Comment: The p.Q257H variant (also known as c.771G>C), located in coding exon 8 of the RB1 gene, results from a G to C substitution at nucleotide position 771. The glutamine at codon 257 is replaced by histidine, an amino acid with highly similar properties. This amino acid position is conserved. In addition, the in silico prediction for this alteration is inconclusive. Based on the available evidence, the clinical significance of this variant remains unclear.

NM_000321.3(RB1):c.771G>C (p.Gln257His)

Gene: RB1 (RB transcriptional corepressor 1; plus strand). Cytogenetic location: 13q14.2.
Variant type: single nucleotide variant.
Coding change: c.771G>C on transcript NM_000321.3 (MANE Select); coding-DNA position 771, G replaced by C.
Protein change: p.Gln257His; replaces glutamine 257 with histidine.
Molecular consequence: missense variant.
Genome position (GRCh38, 1-based): chr13:48,362,867, G>C. VCF-style: chr13-48362867-G-C. GRCh37 (hg19) VCF-style: chr13-48937003-G-C.
Other names: c.771G>C, p.Gln257His (NM_001407165.1, NM_001407166.1); short protein forms Q257H.
Identifiers: ClinVar variation 5027926 (VCV005027926.1).
Genomic context (GRCh38, chr13:48,362,867, plus strand): 5'-TTTTACAGAAACAGCTGTTATACCCATTAATGGTTCACCTCGAACACCCAGGCGAGGTCA[G>C]AACAGGAGTGCACGGATAGCAAAACAACTAGAAAATGATACAAGAATTATTGAAGTTCTC-3'
Protein context (NP_000312.2, residues 247-267): NGSPRTPRRG[Gln257His]NRSARIAKQL